The following is an entry in ClinVar:

ClinVar aggregate classification (germline): Uncertain significance (1 of 4 stars; one submission).

Conditions:
Intellectual developmental disorder, autosomal dominant 52. Also called: Intellectual disability, autosomal dominant 52; Mental retardation, autosomal dominant 52. Identifiers: MedGen C4540478, MONDO:0030918, OMIM 617796.

gnomAD v4.1: 1 of 1,614,110 alleles (0.000062%); highest among the groups gnomAD compares: South Asian, 0.0011%; no homozygotes.

Submission:

Juno Genomics, Hangzhou Juno Genomics, Inc
Classification: Uncertain significance for Intellectual developmental disorder, autosomal dominant 52. Review status: criteria provided, single submitter. Criteria: ACMG Guidelines, 2015. Collection method: clinical testing. Allele origin: germline. Affected: yes.
Comment: Absent from controls (or at extremely low frequency if recessive) in Genome Aggregation Database, Exome Sequencing Project, 1000 Genomes Project, or Exome Aggregation Consortium.;Multiple lines of computational evidence support a deleterious effect on the gene or gene product (conservation, evolutionary, splicing impact, etc).;Missense variant in a gene that has a low rate of benign missense variation and where missense variants are a common mechanism of disease.;Assumed de novo, but without confirmation of paternity and maternity.

NM_018489.3(ASH1L):c.5158C>T (p.Arg1720Trp)

Gene: ASH1L (ASH1 like histone lysine methyltransferase; minus strand). Cytogenetic location: 1q22.
Variant type: single nucleotide variant.
Coding change: c.5158C>T on transcript NM_018489.3 (MANE Select); coding-DNA position 5158, C replaced by T.
Protein change: p.Arg1720Trp; replaces arginine 1720 with tryptophan.
Molecular consequence: missense variant.
Genome position (GRCh38, 1-based): chr1:155,438,997, G>A on the plus strand (C>T on the coding strand, the complement: ASH1L is on the minus strand). VCF-style: chr1-155438997-G-A. GRCh37 (hg19) VCF-style: chr1-155408788-G-A.
Other names: c.5158C>T, p.Arg1720Trp (NM_001366177.2); short protein forms R1720W.
Identifiers: ClinVar variation 3382855 (VCV003382855.2).